The following is an entry in ClinVar:

NM_206933.4(USH2A):c.15427C>T (p.Arg5143Cys)

Gene: USH2A (usherin; minus strand). Cytogenetic location: 1q41.
Variant type: single nucleotide variant.
Coding change: c.15427C>T on transcript NM_206933.4 (MANE Select); coding-DNA position 15427, C replaced by T.
Protein change: p.Arg5143Cys; replaces arginine 5143 with cysteine.
Molecular consequence: missense variant.
Genome position (GRCh38, 1-based): chr1:215,628,906, G>A on the plus strand (C>T on the coding strand, the complement: USH2A is on the minus strand). VCF-style: chr1-215628906-G-A. GRCh37 (hg19) VCF-style: chr1-215802248-G-A.
Other names: short protein forms R5143C.
Identifiers: ClinVar variation 178568 (VCV000178568.32), dbSNP rs145771342, ClinGen allele CA182576.

ClinVar aggregate classification (germline): Benign/Likely benign. Review status: criteria provided, multiple submitters, no conflicts (2 of 4 stars). 12 submissions from 11 submitters: Benign (6); Likely benign (5). 1 of the submissions does not count toward it. Last evaluated 2026-09-10.

Conditions:
USH2A-related disorder. Also called: USH2A-related condition; USH2A-related disorders. Identifiers: MedGen CN239332.
Retinal dystrophy. Also called: Inherited retinal dystrophy. Identifiers: Orphanet 71862, MedGen C0854723, MeSH D058499, MONDO:0019118, HP:0000556.
Usher syndrome type 2A. Also called: USHER SYNDROME, TYPE IIA; RETINAL DISEASE IN USHER SYNDROME TYPE IIA, MODIFIER OF. Identifiers: Orphanet 231178, Orphanet 886, MedGen C1848634, MONDO:0010169, OMIM 276901.
Retinitis pigmentosa 39 (RP39). Identifiers: Orphanet 791, MedGen C3151138, MONDO:0013436, OMIM 613809.

Allele frequency attached by ClinVar (database versions not stated): ESP Exome Variant Server 0.00015; gnomAD exomes 0.00016 and 0.00077; gnomAD 0.00050 and 0.00056; TOPMed 0.00062; ExAC 0.00078; 1000 Genomes Project 0.00260; 1000 Genomes Project 30x 0.00265.
gnomAD v4.1: 480 of 1,614,120 alleles (0.03%); highest among the groups gnomAD compares: East Asian, 0.6%; 7 homozygotes.

Submissions (12):

PreventionGenetics, part of Exact Sciences
Classification: Benign for USH2A-related condition. Last evaluated: 2026-09-10. Review status: criteria provided, single submitter. Criteria: ACMG Guidelines, 2015. Collection method: clinical testing. Allele origin: germline.
Comment: This variant is classified as benign based on ACMG/AMP sequence variant interpretation guidelines (Richards et al. 2015 PMID: 25741868, with internal and published modifications).

Labcorp Genetics (formerly Invitae), Labcorp
Classification: Benign. Last evaluated: 2026-02-02. Review status: criteria provided, single submitter. Criteria: Invitae Variant Classification Sherloc (09022015). Collection method: clinical testing. Allele origin: germline.

CeGaT Center for Human Genetics Tuebingen
Classification: Likely benign. Last evaluated: 2026-02-01. Review status: criteria provided, single submitter. Criteria: CeGaT Center For Human Genetics Tuebingen Variant Classification Criteria Version 2. Collection method: clinical testing. Allele origin: germline. Affected: yes. Observed: 2 variant alleles.
Comment: USH2A: BP4

Genome-Nilou Lab
Classification: Likely benign for Retinitis pigmentosa 39. Last evaluated: 2023-11-04. Review status: criteria provided, single submitter. Criteria: ACMG Guidelines, 2015. Collection method: clinical testing. Allele origin: germline. Affected: no.

Genome-Nilou Lab
Classification: Likely benign for Usher syndrome type 2A. Last evaluated: 2023-11-04. Review status: criteria provided, single submitter. Criteria: ACMG Guidelines, 2015. Collection method: clinical testing. Allele origin: germline. Affected: no.

Dept Of Ophthalmology, Nagoya University
Classification: Likely benign for Retinal dystrophy. Last evaluated: 2023-10-01. Review status: criteria provided, single submitter. Criteria: Submitter's publication. Collection method: research. Allele origin: germline. Affected: yes.

Fulgent Genetics
Classification: Likely benign for Usher syndrome type 2A; Retinitis pigmentosa 39. Last evaluated: 2021-09-09. Review status: criteria provided, single submitter. Criteria: ACMG Guidelines, 2015. Collection method: clinical testing. Allele origin: unknown.

Mendelics
Classification: Benign for Usher syndrome type 2A. Last evaluated: 2019-05-28. Review status: criteria provided, single submitter. Criteria: Mendelics Assertion Criteria 2017. Collection method: clinical testing. Allele origin: unknown.

GeneDx
Classification: Benign. Last evaluated: 2018-11-27. Review status: criteria provided, single submitter. Criteria: GeneDx Variant Classification Process June 2021. Collection method: clinical testing. Allele origin: germline. Affected: yes.
Comment: This variant is associated with the following publications: (PMID: 33090715, 32893482, 31180159, 29625443, 30245029, 28224992, 28488341, 23737954, 24938718, 25356976)

Laboratory for Molecular Medicine, Mass General Brigham Personalized Medicine
Classification: Benign. Last evaluated: 2016-05-21. Review status: criteria provided, single submitter. Criteria: LMM Criteria. Collection method: clinical testing. Allele origin: germline. Observed: 3 variant alleles.
Comment: Arg5143Cys in exon 71 of USH2A: This variant is not expected to have clinical s ignificance because it has been identified in 1.0% (89/8652) of East Asian chrom osomes by the Exome Aggregation Consortium (ExAC ; dbSNP rs145771342).

Eurofins Ntd Llc (ga)
Classification: Benign. Last evaluated: 2015-05-13. Review status: criteria provided, single submitter. Criteria: EGL Classification Definitions 2015. Collection method: clinical testing. Allele origin: germline. Observed: 1 variant allele, 1 heterozygote.

Natera, Inc.
Classification: Benign for Usher syndrome type 2A. Last evaluated: 2019-12-27. Review status: no assertion criteria provided. Collection method: clinical testing. Allele origin: germline. Not counted in ClinVar's aggregate classification.

Literature cited by the submitters: PubMed 24938718 (cited by Eurofins Ntd Llc (ga)).